The following is an entry in ClinVar:

NM_006904.7(PRKDC):c.8164C>G (p.Arg2722Gly)

Gene: PRKDC (protein kinase, DNA-activated, catalytic subunit; minus strand). Cytogenetic location: 8q11.21.
Variant type: single nucleotide variant.
Coding change: c.8164C>G on transcript NM_006904.7 (MANE Select); coding-DNA position 8164, C replaced by G.
Protein change: p.Arg2722Gly; replaces arginine 2722 with glycine.
Molecular consequence: missense variant.
Genome position (GRCh38, 1-based): chr8:47,831,915, G>C on the plus strand (C>G on the coding strand, the complement: PRKDC is on the minus strand). VCF-style: chr8-47831915-G-C. GRCh37 (hg19) VCF-style: chr8-48744476-G-C.
Other names: c.8164C>G, p.Arg2722Gly (NM_001081640.2); short protein forms R2722G.
Identifiers: ClinVar variation 1400708 (VCV001400708.4), dbSNP rs753541454, ClinGen allele CA371147906.

ClinVar aggregate classification (germline): Uncertain significance (1 of 4 stars; one submission).

Conditions:
Severe combined immunodeficiency due to DNA-PKcs deficiency. Also called: IMMUNODEFICIENCY 26 WITH NEUROLOGIC ABNORMALITIES; Immunodeficiency 26 with or without neurologic abnormalities. Identifiers: Orphanet 317425, MedGen C4014833, MONDO:0014423, OMIM 615966.

gnomAD v4.1: 2 of 1,612,258 alleles (0.00012%); highest among the groups gnomAD compares: Admixed American, 0.0017%; no homozygotes.

Submission:

Labcorp Genetics (formerly Invitae), Labcorp
Classification: Uncertain significance for Severe combined immunodeficiency due to DNA-PKcs deficiency. Last evaluated: 2021-12-03. Review status: criteria provided, single submitter. Criteria: Invitae Variant Classification Sherloc (09022015). Collection method: clinical testing. Allele origin: germline.
Comment: This sequence change replaces arginine with glycine at codon 2722 of the PRKDC protein (p.Arg2722Gly). The arginine residue is moderately conserved and there is a moderate physicochemical difference between arginine and glycine. This variant is present in population databases (no rsID available, gnomAD 0.003%). This variant has not been reported in the literature in individuals affected with PRKDC-related conditions. Experimental studies and prediction algorithms are not available or were not evaluated, and the functional significance of this variant is currently unknown. In summary, the available evidence is currently insufficient to determine the role of this variant in disease. Therefore, it has been classified as a Variant of Uncertain Significance.